The following is an entry in ClinVar:

NM_000138.5(FBN1):c.2126C>G (p.Ala709Gly)

Gene: FBN1 (fibrillin 1; minus strand). Cytogenetic location: 15q21.1.
Variant type: single nucleotide variant.
Coding change: c.2126C>G on transcript NM_000138.5 (MANE Select); coding-DNA position 2126, C replaced by G.
Protein change: p.Ala709Gly; replaces alanine 709 with glycine.
Molecular consequence: missense variant.
Genome position (GRCh38, 1-based): chr15:48,499,026, G>C on the plus strand (C>G on the coding strand, the complement: FBN1 is on the minus strand). VCF-style: chr15-48499026-G-C. GRCh37 (hg19) VCF-style: chr15-48791223-G-C.
Other names: p.A709G:GCA>GGA; short protein forms A709G.
Identifiers: ClinVar variation 199988 (VCV000199988.17), dbSNP rs794728184, ClinGen allele CA012792.

ClinVar aggregate classification (germline): Uncertain significance. Review status: criteria provided, multiple submitters, no conflicts (2 of 4 stars). 4 submissions from 4 submitters: Uncertain significance (4). Last evaluated 2025-09-10.

Conditions:
Marfan syndrome (MFS). Also called: Marfan syndrome, classic; FBN1-Related Marfan Syndrome; Marfan syndrome type 1; Marfan's syndrome; MARFAN SYNDROME, TYPE I. Identifiers: Orphanet 284963, Orphanet 558, MedGen C0024796, MONDO:0007947, OMIM 154700.
Familial thoracic aortic aneurysm and aortic dissection (TAAD). Also called: Thoracic aortic aneurysms and dissections. Identifiers: Orphanet 91387, MedGen C4707243, MONDO:0019625.

Allele frequency attached by ClinVar (database versions not stated): gnomAD exomes below 0.00001; gnomAD 0.00001; TOPMed below 0.00001.
gnomAD v4.1: 3 of 1,614,026 alleles (0.00019%); highest among the groups gnomAD compares: Non-Finnish European, 0.00017%; no homozygotes.

Submissions (4):

Ambry Genetics
Classification: Uncertain significance for Familial thoracic aortic aneurysm and aortic dissection. Last evaluated: 2025-09-10. Review status: criteria provided, single submitter. Criteria: Ambry Variant Classification Scheme 2023. Collection method: clinical testing. Allele origin: germline.
Comment: The p.A709G variant (also known as c.2126C>G), located in coding exon 17 of the FBN1 gene, results from a C to G substitution at nucleotide position 2126. The alanine at codon 709 is replaced by glycine, an amino acid with similar properties. This amino acid position is well conserved in available vertebrate species. In addition, the in silico prediction for this alteration is inconclusive. Since supporting evidence is limited at this time, the clinical significance of this alteration remains unclear.

Color Diagnostics, LLC DBA Color Health
Classification: Uncertain significance for Familial thoracic aortic aneurysm and aortic dissection. Last evaluated: 2025-06-04. Review status: criteria provided, single submitter. Criteria: ACMG Guidelines, 2015. Collection method: clinical testing. Allele origin: germline.
Comment: This missense variant replaces alanine with glycine at codon 709 of the FBN1 protein. Computational prediction suggests that this variant may not impact protein structure and function. To our knowledge, functional studies have not been reported for this variant. This variant has not been reported in individuals affected with FBN1-related disorders in the literature. This variant has not been identified in the general population by the Genome Aggregation Database (gnomAD). The available evidence is insufficient to determine the role of this variant in disease conclusively. Therefore, this variant is classified as a Variant of Uncertain Significance.

Labcorp Genetics (formerly Invitae), Labcorp
Classification: Uncertain significance for Marfan syndrome; Familial thoracic aortic aneurysm and aortic dissection. Last evaluated: 2025-02-15. Review status: criteria provided, single submitter. Criteria: Invitae Variant Classification Sherloc (09022015). Collection method: clinical testing. Allele origin: germline.
Comment: This sequence change replaces alanine, which is neutral and non-polar, with glycine, which is neutral and non-polar, at codon 709 of the FBN1 protein (p.Ala709Gly). This variant is not present in population databases (gnomAD no frequency). This variant has not been reported in the literature in individuals affected with FBN1-related conditions. ClinVar contains an entry for this variant (Variation ID: 199988). Invitae Evidence Modeling of protein sequence and biophysical properties (such as structural, functional, and spatial information, amino acid conservation, physicochemical variation, residue mobility, and thermodynamic stability) has been performed for this missense variant. However, the output from this modeling did not meet the statistical confidence thresholds required to predict the impact of this variant on FBN1 protein function. In summary, the available evidence is currently insufficient to determine the role of this variant in disease. Therefore, it has been classified as a Variant of Uncertain Significance.

GeneDx
Classification: Uncertain significance. Last evaluated: 2024-09-25. Review status: criteria provided, single submitter. Criteria: GeneDx Variant Classification Process June 2021. Collection method: clinical testing. Allele origin: germline. Affected: yes.
Comment: Not observed in large population cohorts (gnomAD); In silico analysis indicates that this missense variant does not alter protein structure/function; Does not affect a cysteine or calcium-binding residue within an EGF-like domain or a TGF-binding protein domain of the FBN1 gene; cysteine substitutions in the EGF-like domains represent the majority of pathogenic missense changes associated with FBN1-related disorders (PMID: 12938084); Has not been previously published as pathogenic or benign to our knowledge; This variant is associated with the following publications: (PMID: 12938084)